The following is an entry in ClinVar:

NM_001110556.2(FLNA):c.388G>A (p.Val130Met)

Gene: FLNA (filamin A; minus strand). Cytogenetic location: Xq28.
Variant type: single nucleotide variant.
Coding change: c.388G>A on transcript NM_001110556.2 (MANE Select); coding-DNA position 388, G replaced by A.
Protein change: p.Val130Met; replaces valine 130 with methionine.
Molecular consequence: missense variant.
Genome position (GRCh38, 1-based): chrX:154,368,076, C>T on the plus strand (G>A on the coding strand, the complement: FLNA is on the minus strand). VCF-style: chrX-154368076-C-T. GRCh37 (hg19) VCF-style: chrX-153596444-C-T.
Other names: c.388G>A (NM_001456.3); c.388G>A, p.Val130Met (NM_001456.4); short protein forms V130M.
Identifiers: ClinVar variation 1947278 (VCV001947278.6), dbSNP rs782151307, ClinGen allele CA10561413.

ClinVar aggregate classification (germline): Conflicting classifications of pathogenicity. Review status: criteria provided, conflicting classifications (1 of 4 stars). 3 submissions from 3 submitters: Likely pathogenic (1); Uncertain significance (2). Last evaluated 2025-07-24.

Conditions:
Heterotopia, periventricular, X-linked dominant (PVNH1). Also called: PERIVENTRICULAR NODULAR HETEROTOPIA 1; PERIVENTRICULAR NODULAR HETEROTOPIA 4; HETEROTOPIA, PERIVENTRICULAR, 1; X-linked periventricular heterotopia. Identifiers: Orphanet 2149, Orphanet 82004, MedGen C1848213, MONDO:0010233, OMIM 300049.
Melnick-Needles syndrome (MNS). Also called: Melnick-Needles Syndrome (FLNA-MNS); MELNICK-NEEDLES OSTEODYSPLASTY; OSTEODYSPLASTY OF MELNICK AND NEEDLES. Identifiers: Orphanet 2484, MedGen C0025237, MONDO:0010650, OMIM 309350.
Oto-palato-digital syndrome, type II (OPD2). Also called: Otopalatodigital Syndrome Type 2 (FLNA-OPD2); FACIOPALATOOSSEOUS SYNDROME; OPD II SYNDROME; Otopalatodigital Syndrome, Type II. Identifiers: Orphanet 669, Orphanet 90652, MedGen C1844696, MONDO:0010571, OMIM 304120.
Frontometaphyseal dysplasia (FMD1). Identifiers: Orphanet 1826, MedGen C0265293, MONDO:0015942.

Allele frequency attached by ClinVar (database versions not stated): gnomAD exomes below 0.00001; ExAC 0.00001.
gnomAD v4.1: 1 of 1,210,472 alleles (0.000083%); highest among the groups gnomAD compares: Non-Finnish European, 0.00011%; no homozygotes.

Submissions (3):

Variantyx, Inc.
Classification: Likely pathogenic for Heterotopia, periventricular, X-linked dominant. Last evaluated: 2025-07-24. Review status: criteria provided, single submitter. Criteria: Variantyx Assertion Criteria 2022. Collection method: clinical testing. Allele origin: maternal. Inheritance: X-linked inheritance.
Comment: This is a nonsynonymous variant in the FLNA gene (OMIM: 300017). Pathogenic variants in this gene have been associated with X-linked periventricular heterotopia 1. The clinical symptoms reported for this individual are highly specific for X-linked periventricular heterotopia 1, which has a limited genetic etiology (PMID: 9883725) (PP4). This variant lies within a well-established critical functional domain of the FLNA protein (PMID: 19773341, 26471271, 20955932) (PM1), and multiple computational algorithms predict a deleterious effect (REVEL score: 0.924) (PP3). This variant has a 0.0001% maximum allele frequency in non-founder control populations (PM2). Based on the current evidence, this variant is classified as likely pathogenic for X-linked periventricular heterotopia 1.

Labcorp Genetics (formerly Invitae), Labcorp
Classification: Uncertain significance for Oto-palato-digital syndrome, type II; Heterotopia, periventricular, X-linked dominant; Frontometaphyseal dysplasia; Melnick-Needles syndrome. Last evaluated: 2024-02-15. Review status: criteria provided, single submitter. Criteria: Invitae Variant Classification Sherloc (09022015). Collection method: clinical testing. Allele origin: germline.
Comment: This sequence change replaces valine, which is neutral and non-polar, with methionine, which is neutral and non-polar, at codon 130 of the FLNA protein (p.Val130Met). This variant is not present in population databases (gnomAD no frequency). This variant has not been reported in the literature in individuals affected with FLNA-related conditions. ClinVar contains an entry for this variant (Variation ID: 1947278). Advanced modeling of protein sequence and biophysical properties (such as structural, functional, and spatial information, amino acid conservation, physicochemical variation, residue mobility, and thermodynamic stability) has been performed at Invitae for this missense variant, however the output from this modeling did not meet the statistical confidence thresholds required to predict the impact of this variant on FLNA protein function. In summary, the available evidence is currently insufficient to determine the role of this variant in disease. Therefore, it has been classified as a Variant of Uncertain Significance.

GeneDx
Classification: Uncertain significance. Last evaluated: 2023-04-03. Review status: criteria provided, single submitter. Criteria: GeneDx Variant Classification Process June 2021. Collection method: clinical testing. Allele origin: germline. Affected: yes.
Comment: Not observed at significant frequency in large population cohorts (gnomAD); In silico analysis supports that this missense variant has a deleterious effect on protein structure/function; Has not been previously published as pathogenic or benign to our knowledge

Literature cited by the submitters: PubMed 19773341 (cited by Variantyx, Inc.); PubMed 26471271 (cited by Variantyx, Inc.); PubMed 20955932 (cited by Variantyx, Inc.); PubMed 9883725 (cited by Variantyx, Inc.).